The following is an entry in ClinVar:

NM_016188.5(ACTL6B):c.990_993delinsAGCA (p.Gly331Ala)

Gene: ACTL6B (actin like 6B; minus strand). Cytogenetic location: 7q22.1.
Variant type: Indel.
Coding change: c.990_993delinsAGCA on transcript NM_016188.5 (MANE Select); coding-DNA positions 990 to 993, CGGC replaced by AGCA.
Protein change: p.Gly331Ala; replaces glycine 331 with alanine.
Molecular consequence: missense variant. On other transcripts: non-coding transcript variant (1).
Genome position (GRCh38, 1-based): chr7:100,646,775-100,646,778, GCCG replaced by TGCT on the plus strand (CGGC replaced by AGCA on the coding strand, the reverse complement: ACTL6B is on the minus strand). VCF-style: chr7-100646775-GCCG-TGCT. GRCh37 (hg19) VCF-style: chr7-100244398-GCCG-TGCT.
Other names: short protein forms G331A.
Identifiers: ClinVar variation 4532039 (VCV004532039.1).

ClinVar aggregate classification (germline): Likely pathogenic (1 of 4 stars; one submission).

Conditions:
Intellectual developmental disorder with severe speech and ambulation defects. Identifiers: MedGen C5193115, MONDO:0032770, OMIM 618470.

Submission:

Victorian Clinical Genetics Services, Murdoch Childrens Research Institute
Classification: Likely pathogenic for Intellectual developmental disorder with severe speech and ambulation defects. Last evaluated: 2025-01-12. Review status: criteria provided, single submitter. Criteria: ACMG Guidelines, 2015. Collection method: clinical testing. Allele origin: germline. Affected: yes.
Comment: This variant is classified as Likely pathogenic. Evidence in support of pathogenic classification: Variant is absent from gnomAD (v2, v3 and v4); Additional information: Variant is predicted to result in a missense amino acid change from glycine to alanine; This variant is heterozygous; This gene is associated with both recessive and dominant disease. Only missense variants have been reported for the dominant condition (PMIDs: 31031012, 39275948; OMIM); An alternative amino acid change at the same position has been observed in gnomAD (v4: 1 heterozygote(s), 0 homozygote(s)); This variant has no previous evidence of pathogenicity; No published segregation evidence has been identified for this variant; No published functional evidence has been identified for this variant; No comparable missense variants have previous evidence for pathogenicity; Variant is located in the annotated actin domain (DECIPHER); Missense variant with conflicting in silico predictions and uninformative conservation; Loss of function is a known mechanism of disease in this gene and is associated with autosomal recessive developmental and epileptic encephalopathy 76 (MIM#618468). Gain of function is the suggested mechanism for autosomal dominant intellectual developmental disorder with severe speech and ambulation defects (MIM#618470) (PMID: 31031012).

Literature cited by the submitters: PubMed 31031012; PubMed 39275948.